The following is an entry in ClinVar:

NM_005055.5(RAPSN):c.325T>G (p.Cys109Gly)

Gene: RAPSN (receptor associated protein of the synapse; minus strand). Cytogenetic location: 11p11.2.
Variant type: single nucleotide variant.
Coding change: c.325T>G on transcript NM_005055.5 (MANE Select); coding-DNA position 325, T replaced by G.
Protein change: p.Cys109Gly; replaces cysteine 109 with glycine.
Molecular consequence: missense variant.
Genome position (GRCh38, 1-based): chr11:47,448,018, A>C on the plus strand (T>G on the coding strand, the complement: RAPSN is on the minus strand). VCF-style: chr11-47448018-A-C. GRCh37 (hg19) VCF-style: chr11-47469570-A-C.
Other names: c.325T>G, p.Cys109Gly (NM_032645.5); short protein forms C109G.
Identifiers: ClinVar variation 1034545 (VCV001034545.8), dbSNP rs2076423375, ClinGen allele CA380334428.

ClinVar aggregate classification (germline): Uncertain significance. Review status: criteria provided, single submitter (1 of 4 stars). 2 submissions from 2 submitters: Uncertain significance (1). 1 of the submissions does not count toward it. Last evaluated 2022-09-01.

Conditions:
Congenital myasthenic syndrome (CMS). Also called: Congenital Myasthenic Syndromes. Identifiers: Orphanet 590, MedGen C0751882, MeSH D020294, MONDO:0018940.
Fetal akinesia deformation sequence 1 (FADS1). Also called: Fetal akinesia sequence; Pena-Shokeir syndrome type I. Identifiers: Orphanet 994, MedGen C1276035, MONDO:0100101, OMIM 208150, HP:0001989.
Congenital myasthenic syndrome 11. Also called: Myasthenic syndrome, congenital, 11, associated with acetylcholine receptor deficiency; MYASTHENIC SYNDROME, CONGENITAL, Ie. Identifiers: Orphanet 590, MedGen C4225367, MONDO:0014588, OMIM 616326.

Submissions (2):

Labcorp Genetics (formerly Invitae), Labcorp
Classification: Uncertain significance for Congenital myasthenic syndrome 11; Fetal akinesia deformation sequence 1. Last evaluated: 2022-09-01. Review status: criteria provided, single submitter. Criteria: Invitae Variant Classification Sherloc (09022015). Collection method: clinical testing. Allele origin: germline.
Comment: ClinVar contains an entry for this variant (Variation ID: 1034545). In summary, the available evidence is currently insufficient to determine the role of this variant in disease. Therefore, it has been classified as a Variant of Uncertain Significance. Algorithms developed to predict the effect of missense changes on protein structure and function are either unavailable or do not agree on the potential impact of this missense change (SIFT: "Deleterious"; PolyPhen-2: "Probably Damaging"; Align-GVGD: "Class C0"). This variant has not been reported in the literature in individuals affected with RAPSN-related conditions. This variant is not present in population databases (gnomAD no frequency). This sequence change replaces cysteine, which is neutral and slightly polar, with glycine, which is neutral and non-polar, at codon 109 of the RAPSN protein (p.Cys109Gly).

Natera, Inc.
Classification: Uncertain significance for Congenital myasthenic syndrome. Last evaluated: 2021-09-28. Review status: no assertion criteria provided. Collection method: clinical testing. Allele origin: germline. Not counted in ClinVar's aggregate classification.